The following is an entry in ClinVar:

ClinVar aggregate classification (germline): Pathogenic (1 of 4 stars; one submission).

Conditions:
Osteogenesis imperfecta type I (OI1). Also called: Classic Non-deforming Osteogenesis Imperfecta with Blue Sclerae; OI, TYPE I; OSTEOGENESIS IMPERFECTA TARDA; OSTEOGENESIS IMPERFECTA WITH BLUE SCLERAE; Osteogenesis imperfecta type 1; Lobstein's Disease. Identifiers: Orphanet 216796, Orphanet 666, MedGen C0023931, MONDO:0008146, OMIM 166200. Disease mechanism: loss of function.

Submission:

Labcorp Genetics (formerly Invitae), Labcorp
Classification: Pathogenic for Osteogenesis imperfecta type I. Last evaluated: 2024-03-09. Review status: criteria provided, single submitter. Criteria: Invitae Variant Classification Sherloc (09022015). Collection method: clinical testing. Allele origin: germline.
Comment: This sequence change creates a premature translational stop signal (p.Gly893*) in the COL1A1 gene. It is expected to result in an absent or disrupted protein product. Loss-of-function variants in COL1A1 are known to be pathogenic (PMID: 7942841, 9295084, 9443882). This variant is not present in population databases (gnomAD no frequency). This variant has not been reported in the literature in individuals affected with COL1A1-related conditions. For these reasons, this variant has been classified as Pathogenic.

Literature cited by the submitters: PubMed 7942841; PubMed 9295084; PubMed 9443882.

NM_000088.4(COL1A1):c.2677G>T (p.Gly893Ter)

Gene: COL1A1 (collagen type I alpha 1 chain; minus strand). Cytogenetic location: 17q21.33.
Variant type: single nucleotide variant.
Coding change: c.2677G>T on transcript NM_000088.4 (MANE Select); coding-DNA position 2677, G replaced by T.
Protein change: p.Gly893Ter; replaces glycine 893 with a stop codon.
Molecular consequence: nonsense.
Genome position (GRCh38, 1-based): chr17:50,189,529, C>A on the plus strand (G>T on the coding strand, the complement: COL1A1 is on the minus strand). VCF-style: chr17-50189529-C-A. GRCh37 (hg19) VCF-style: chr17-48266890-C-A.
Other names: short protein forms G893*.
Identifiers: ClinVar variation 3645236 (VCV003645236.2).